The following is an entry in ClinVar:

NM_152773.5(DYNLT2B):c.73C>A (p.Pro25Thr)

Genes: DYNLT2B (dynein light chain Tctex-type 2B; minus strand), TM4SF19-DYNLT2B (TM4SF19-DYNLT2B readthrough (NMD candidate); minus strand), LOC129938285 (ATAC-STARR-seq lymphoblastoid active region 21087; plus strand). Cytogenetic location: 3q29.
Variant type: single nucleotide variant.
Coding change: c.73C>A on transcript NM_152773.5 (MANE Select); coding-DNA position 73, C replaced by A.
Protein change: p.Pro25Thr; replaces proline 25 with threonine.
Molecular consequence: missense variant.
Genome position (GRCh38, 1-based): chr3:196,318,080, G>T on the plus strand (C>A on the coding strand, the complement: DYNLT2B is on the minus strand). VCF-style: chr3-196318080-G-T. GRCh37 (hg19) VCF-style: chr3-196044951-G-T.
Other names: c.73C>A, p.Pro25Thr (NM_001351628.2); short protein forms P25T.
Identifiers: ClinVar variation 2110030 (VCV002110030.4), dbSNP rs772060353, ClinGen allele CA355590556.

ClinVar aggregate classification (germline): Uncertain significance (1 of 4 stars; one submission).

gnomAD v4.1: 1 of 1,564,874 alleles (0.000064%); highest among the groups gnomAD compares: Non-Finnish European, 0.000086%; no homozygotes.

Submission:

Labcorp Genetics (formerly Invitae), Labcorp
Classification: Uncertain significance. Last evaluated: 2022-03-22. Review status: criteria provided, single submitter. Criteria: Invitae Variant Classification Sherloc (09022015). Collection method: clinical testing. Allele origin: germline.
Comment: In summary, the available evidence is currently insufficient to determine the role of this variant in disease. Therefore, it has been classified as a Variant of Uncertain Significance. Algorithms developed to predict the effect of missense changes on protein structure and function (SIFT, PolyPhen-2, Align-GVGD) all suggest that this variant is likely to be tolerated. This variant has not been reported in the literature in individuals affected with TCTEX1D2-related conditions. This variant is not present in population databases (gnomAD no frequency). This sequence change replaces proline, which is neutral and non-polar, with threonine, which is neutral and polar, at codon 25 of the TCTEX1D2 protein (p.Pro25Thr).